The following is an entry in ClinVar:

ClinVar aggregate classification (germline): Conflicting classifications of pathogenicity. Review status: criteria provided, conflicting classifications (1 of 4 stars). 2 submissions from 2 submitters: Pathogenic (1); Uncertain significance (1). Last evaluated 2023-07-17.

Conditions:
Cerebral palsy. Identifiers: MedGen C0007789, MONDO:0006497, HP:0100021.
EGFR-related lung cancer (EGFR). Identifiers: MedGen CN130014.

Allele frequency attached by ClinVar (database versions not stated): gnomAD exomes below 0.00001.
gnomAD v4.1: 1 of 1,613,642 alleles (0.000062%); highest among the groups gnomAD compares: Non-Finnish European, 0.000085%; no homozygotes.

Submissions (2):

Labcorp Genetics (formerly Invitae), Labcorp
Classification: Pathogenic for EGFR-related lung cancer. Last evaluated: 2023-07-17. Review status: criteria provided, single submitter. Criteria: Invitae Variant Classification Sherloc (09022015). Collection method: clinical testing. Allele origin: germline.
Comment: For these reasons, this variant has been classified as Pathogenic. ClinVar contains an entry for this variant (Variation ID: 1018840). This variant has not been reported in the literature in individuals affected with EGFR-related conditions. This variant is not present in population databases (gnomAD no frequency). This sequence change creates a premature translational stop signal (p.Arg309*) in the EGFR gene. It is expected to result in an absent or disrupted protein product. Loss-of-function variants in EGFR are known to be pathogenic (PMID: 7630400, 28726809, 29899996).

Neurogenetics Research Program, University of Adelaide
Classification: Uncertain significance for Cerebral palsy. Last evaluated: 2021-06-10. Review status: criteria provided, single submitter. Criteria: ACMG Guidelines, 2015. Collection method: research. Allele origin: de novo. Affected: yes. Observed: 1 variant allele.

Literature cited by the submitters: PubMed 7630400 (cited by Labcorp Genetics (formerly Invitae), Labcorp); PubMed 28726809 (cited by Labcorp Genetics (formerly Invitae), Labcorp); PubMed 29899996 (cited by Labcorp Genetics (formerly Invitae), Labcorp).

NM_005228.5(EGFR):c.925C>T (p.Arg309Ter)

Gene: EGFR (epidermal growth factor receptor; plus strand). Cytogenetic location: 7p11.2.
Variant type: single nucleotide variant.
Coding change: c.925C>T on transcript NM_005228.5 (MANE Select); coding-DNA position 925, C replaced by T.
Protein change: p.Arg309Ter; replaces arginine 309 with a stop codon.
Molecular consequence: nonsense.
Genome position (GRCh38, 1-based): chr7:55,155,865, C>T. VCF-style: chr7-55155865-C-T. GRCh37 (hg19) VCF-style: chr7-55223558-C-T.
Other names: c.790C>T, p.Arg264Ter (NM_001346897.2, NM_001346899.2); c.925C>T, p.Arg309Ter (NM_001346898.2, NM_201282.2, NM_201283.2 and 1 more transcripts); c.766C>T, p.Arg256Ter (NM_001346900.2); c.124C>T, p.Arg42Ter (NM_001346941.2); short protein forms R256*, R264*, R309*, R42*.
Identifiers: ClinVar variation 1018840 (VCV001018840.8), dbSNP rs1444692842, ClinGen allele CA367577990.
Genomic context (GRCh38, chr7:55,155,865, plus strand): 5'-CTTCCTTTCATGCTCTCTTCCCCAGGTAATTATGTGGTGACAGATCACGGCTCGTGCGTC[C>T]GAGCCTGTGGGGCCGACAGCTATGAGATGGAGGAAGACGGCGTCCGCAAGTGTAAGAAGT-3'